The following is an entry in ClinVar:

NM_024876.4(COQ8B):c.785C>T (p.Ala262Val)

Gene: COQ8B (coenzyme Q8B; minus strand). Cytogenetic location: 19q13.2.
Variant type: single nucleotide variant.
Coding change: c.785C>T on transcript NM_024876.4 (MANE Select); coding-DNA position 785, C replaced by T.
Protein change: p.Ala262Val; replaces alanine 262 with valine.
Molecular consequence: missense variant.
Genome position (GRCh38, 1-based): chr19:40,703,555, G>A on the plus strand (C>T on the coding strand, the complement: COQ8B is on the minus strand). VCF-style: chr19-40703555-G-A. GRCh37 (hg19) VCF-style: chr19-41209460-G-A.
Other names: c.662C>T, p.Ala221Val (NM_001142555.3); short protein forms A221V, A262V.
Identifiers: ClinVar variation 4748390 (VCV004748390.1).

ClinVar aggregate classification (germline): Uncertain significance (1 of 4 stars; one submission).

gnomAD v4.1: 12 of 1,606,806 alleles (0.00075%); highest among the groups gnomAD compares: Middle Eastern, 0.033%; no homozygotes.

Submission:

Labcorp Genetics (formerly Invitae), Labcorp
Classification: Uncertain significance. Last evaluated: 2025-08-27. Review status: criteria provided, single submitter. Criteria: Invitae Variant Classification Sherloc (09022015). Collection method: clinical testing. Allele origin: germline.
Comment: This sequence change replaces alanine, which is neutral and non-polar, with valine, which is neutral and non-polar, at codon 262 of the COQ8B protein (p.Ala262Val). The frequency data for this variant in the population databases is considered unreliable, as metrics indicate poor data quality at this position in the gnomAD database. This variant has not been reported in the literature in individuals affected with COQ8B-related conditions. Invitae Evidence Modeling of protein sequence and biophysical properties (such as structural, functional, and spatial information, amino acid conservation, physicochemical variation, residue mobility, and thermodynamic stability) indicates that this missense variant is not expected to disrupt COQ8B protein function with a negative predictive value of 80%. In summary, the available evidence is currently insufficient to determine the role of this variant in disease. Therefore, it has been classified as a Variant of Uncertain Significance.